The following is an entry in ClinVar:

ClinVar aggregate classification (germline): Uncertain significance (1 of 4 stars; one submission).

Allele frequency attached by ClinVar (database versions not stated): gnomAD exomes below 0.00001; gnomAD 0.00006 and 0.00003.
gnomAD v4.1: 8 of 1,613,172 alleles (0.0005%); highest among the groups gnomAD compares: Admixed American, 0.005%; no homozygotes.

Submission:

GeneDx
Classification: Uncertain significance. Last evaluated: 2014-03-31. Review status: criteria provided, single submitter. Criteria: GeneDx Variant Classification (06012015). Collection method: clinical testing. Allele origin: germline. Affected: yes.
Comment: Missense variants in the TTN gene are considered 'unclassified' if they are not previously reported in the literature and do not have >1% frequency in the population to be considered a polymorphism. Research indicates that truncating mutations in the TTN gene are expected to account for approximately 25% of familial and 18% of sporadic idiopathic DCM; however, truncating variants in the TTN gene have been reported in approximately 3% of reported control alleles. There has been little investigation into non-truncating variants. (Herman D et al. Truncations of titin causing dilated cardiomyopathy. N Eng J Med 366:619-628, 2012) The variant is found in CARDIOMYOPATHY panel(s).

NM_001267550.2(TTN):c.22112C>T (p.Thr7371Ile)

Gene: TTN (titin; minus strand). Cytogenetic location: 2q31.2.
Variant type: single nucleotide variant.
Coding change: c.22112C>T on transcript NM_001267550.2 (MANE Select); coding-DNA position 22112, C replaced by T.
Protein change: p.Thr7371Ile; replaces threonine 7371 with isoleucine.
Molecular consequence: missense variant. On other transcripts: intron variant (3).
Genome position (GRCh38, 1-based): chr2:178,722,787, G>A on the plus strand (C>T on the coding strand, the complement: TTN is on the minus strand). VCF-style: chr2-178722787-G-A. GRCh37 (hg19) VCF-style: chr2-179587514-G-A.
Other names: p.T7054I:ACC>ATC; c.21161C>T, p.Thr7054Ile (NM_001256850.1); c.18380C>T, p.Thr6127Ile (NM_133378.4); c.13282+15295C>T (NM_003319.4); c.13858+15295C>T (NM_133437.4); c.13657+15295C>T (NM_133432.3); short protein forms T7054I, T7371I, T6127I.
Identifiers: ClinVar variation 203308 (VCV000203308.2), dbSNP rs794729626, ClinGen allele CA311992.